The following is an entry in ClinVar:

NM_001128840.3(CACNA1D):c.3153C>A (p.Asn1051Lys)

Gene: CACNA1D (calcium voltage-gated channel subunit alpha1 D; plus strand). Cytogenetic location: 3p21.1.
Variant type: single nucleotide variant.
Coding change: c.3153C>A on transcript NM_001128840.3 (MANE Select); coding-DNA position 3153, C replaced by A.
Protein change: p.Asn1051Lys; replaces asparagine 1051 with lysine.
Molecular consequence: missense variant.
Genome position (GRCh38, 1-based): chr3:53,745,861, C>A. VCF-style: chr3-53745861-C-A. GRCh37 (hg19) VCF-style: chr3-53779888-C-A.
Other names: c.3213C>A, p.Asn1071Lys (NM_000720.4); c.3153C>A, p.Asn1051Lys (NM_001128839.3); short protein forms N1071K, N1051K.
Identifiers: ClinVar variation 1964092 (VCV001964092.5), dbSNP rs1278607714, ClinGen allele CA353246798.
Genomic context (GRCh38, chr3:53,745,861, plus strand): 5'-TGCCTGTCTATTTTATACCCAGGGGAAGTTCTATCGCTGTACGGATGAAGCCAAAAGTAA[C>A]CCTGAAGAATGCAGGTGAGCGTCCTGAGAGTGGAGTAGGGGACTTAGAAGAGCAAATAGC-3'
Protein context (NP_001122312.1, residues 1041-1061): FYRCTDEAKS[Asn1051Lys]PEECRGLFIL

ClinVar aggregate classification (germline): Uncertain significance (1 of 4 stars; one submission).

gnomAD v4.1: 3 of 1,613,430 alleles (0.00019%); highest among the groups gnomAD compares: African/African-American, 0.0027%; no homozygotes.

Submission:

Labcorp Genetics (formerly Invitae), Labcorp
Classification: Uncertain significance. Last evaluated: 2024-11-04. Review status: criteria provided, single submitter. Criteria: Invitae Variant Classification Sherloc (09022015). Collection method: clinical testing. Allele origin: germline.
Comment: This sequence change replaces asparagine, which is neutral and polar, with lysine, which is basic and polar, at codon 1071 of the CACNA1D protein (p.Asn1071Lys). This variant is present in population databases (no rsID available, gnomAD 0.01%). This variant has not been reported in the literature in individuals affected with CACNA1D-related conditions. ClinVar contains an entry for this variant (Variation ID: 1964092). Invitae Evidence Modeling of protein sequence and biophysical properties (such as structural, functional, and spatial information, amino acid conservation, physicochemical variation, residue mobility, and thermodynamic stability) indicates that this missense variant is not expected to disrupt CACNA1D protein function with a negative predictive value of 80%. In summary, the available evidence is currently insufficient to determine the role of this variant in disease. Therefore, it has been classified as a Variant of Uncertain Significance.